The following is an entry in ClinVar:

ClinVar aggregate classification (germline): Uncertain significance (1 of 4 stars; one submission).

Allele frequency attached by ClinVar (database versions not stated): gnomAD 0.00003; TOPMed 0.00003; gnomAD exomes 0.00004.
gnomAD v4.1: 55 of 1,612,136 alleles (0.0034%); highest among the groups gnomAD compares: Non-Finnish European, 0.0046%; no homozygotes.

Submission:

Labcorp Genetics (formerly Invitae), Labcorp
Classification: Uncertain significance. Last evaluated: 2024-04-22. Review status: criteria provided, single submitter. Criteria: Invitae Variant Classification Sherloc (09022015). Collection method: clinical testing. Allele origin: germline.
Comment: This sequence change replaces arginine, which is basic and polar, with threonine, which is neutral and polar, at codon 1072 of the ERBB2 protein (p.Arg1072Thr). This variant is present in population databases (no rsID available, gnomAD 0.0009%). This variant has not been reported in the literature in individuals affected with ERBB2-related conditions. An algorithm developed to predict the effect of missense changes on protein structure and function (PolyPhen-2) suggests that this variant is likely to be tolerated. In summary, the available evidence is currently insufficient to determine the role of this variant in disease. Therefore, it has been classified as a Variant of Uncertain Significance.

NM_004448.4(ERBB2):c.3215G>C (p.Arg1072Thr)

Gene: ERBB2 (erb-b2 receptor tyrosine kinase 2; plus strand). Cytogenetic location: 17q12.
Variant type: single nucleotide variant.
Coding change: c.3215G>C on transcript NM_004448.4 (MANE Select); coding-DNA position 3215, G replaced by C.
Protein change: p.Arg1072Thr; replaces arginine 1072 with threonine.
Molecular consequence: missense variant. On other transcripts: non-coding transcript variant (1), intron variant (2).
Genome position (GRCh38, 1-based): chr17:39,727,350, G>C. VCF-style: chr17-39727350-G-C. GRCh37 (hg19) VCF-style: chr17-37883603-G-C.
Other names: c.3125G>C, p.Arg1042Thr (NM_001005862.3, NM_001382782.1, NM_001382783.1); c.3170G>C, p.Arg1057Thr (NM_001289936.2); c.3332G>C, p.Arg1111Thr (NM_001382784.1); c.3317G>C, p.Arg1106Thr (NM_001382785.1); c.3296G>C, p.Arg1099Thr (NM_001382786.1); c.3290G>C, p.Arg1097Thr (NM_001382787.1); c.3245G>C, p.Arg1082Thr (NM_001382788.1); c.3236G>C, p.Arg1079Thr (NM_001382789.1); and 17 more; short protein forms R1010T, R1042T, R1079T, R1099T, R986T, R1043T, R1058T, R1069T.
Identifiers: ClinVar variation 2713992 (VCV002713992.3), dbSNP rs1178111397, ClinGen allele CA399310316.
Genomic context (GRCh38, chr17:39,727,350, plus strand): 5'-CCCAGAGTGGCGGTGGGGACCTGACACTAGGGCTGGAGCCCTCTGAAGAGGAGGCCCCCA[G>C]GTCTCCACTGGCACCCTCCGAAGGGGCTGGCTCCGATGTATTTGATGGTGACCTGGGAAT-3'
Protein context (NP_004439.2, residues 1062-1082): GLEPSEEEAP[Arg1072Thr]SPLAPSEGAG